The following is an entry in ClinVar:

ClinVar aggregate classification (germline): Uncertain significance. Review status: criteria provided, multiple submitters, no conflicts (2 of 4 stars). 2 submissions from 2 submitters: Uncertain significance (2). Last evaluated 2023-11-27.

Allele frequency attached by ClinVar (database versions not stated): gnomAD exomes 0.00001 and 0.00004; ExAC 0.00004; 1000 Genomes Project 30x 0.00016; TOPMed 0.00018; gnomAD 0.00019; 1000 Genomes Project 0.00020; ESP Exome Variant Server 0.00023.
gnomAD v4.1: 47 of 1,614,136 alleles (0.0029%); highest among the groups gnomAD compares: African/African-American, 0.061%; no homozygotes.

Submissions (2):

Labcorp Genetics (formerly Invitae), Labcorp
Classification: Uncertain significance. Last evaluated: 2023-11-27. Review status: criteria provided, single submitter. Criteria: Invitae Variant Classification Sherloc (09022015). Collection method: clinical testing. Allele origin: germline.
Comment: This sequence change replaces glycine, which is neutral and non-polar, with glutamic acid, which is acidic and polar, at codon 136 of the ASRGL1 protein (p.Gly136Glu). This variant is present in population databases (rs141452891, gnomAD 0.07%), and has an allele count higher than expected for a pathogenic variant. This variant has not been reported in the literature in individuals affected with ASRGL1-related conditions. ClinVar contains an entry for this variant (Variation ID: 1064091). Algorithms developed to predict the effect of missense changes on protein structure and function output the following: SIFT: "Not Available"; PolyPhen-2: "Benign"; Align-GVGD: "Not Available". The glutamic acid amino acid residue is found in multiple mammalian species, which suggests that this missense change does not adversely affect protein function. In summary, the available evidence is currently insufficient to determine the role of this variant in disease. Therefore, it has been classified as a Variant of Uncertain Significance.

Ambry Genetics
Classification: Uncertain significance. Last evaluated: 2021-10-05. Review status: criteria provided, single submitter. Criteria: Ambry Variant Classification Scheme 2023. Collection method: clinical testing. Allele origin: germline.

NM_001083926.2(ASRGL1):c.407G>A (p.Gly136Glu)

Gene: ASRGL1 (asparaginase and isoaspartyl peptidase 1; plus strand). Cytogenetic location: 11q12.3.
Variant type: single nucleotide variant.
Coding change: c.407G>A on transcript NM_001083926.2 (MANE Select); coding-DNA position 407, G replaced by A.
Protein change: p.Gly136Glu; replaces glycine 136 with glutamic acid.
Molecular consequence: missense variant.
Genome position (GRCh38, 1-based): chr11:62,357,060, G>A. VCF-style: chr11-62357060-G-A. GRCh37 (hg19) VCF-style: chr11-62124532-G-A.
Other names: c.407G>A (NM_001083926.1); c.407G>A, p.Gly136Glu (NM_025080.4); short protein forms G136E.
Identifiers: ClinVar variation 1064091 (VCV001064091.8), dbSNP rs141452891, ClinGen allele CA6043187.